The following is an entry in ClinVar:

NM_001267550.2(TTN):c.96697C>T (p.Arg32233Ter)

Genes: TTN (titin; minus strand), TTN-AS1 (TTN antisense RNA 1; plus strand), LOC126806421 (CDK7 strongly-dependent group 2 enhancer GRCh37_chr2:179407630-179408829; plus strand). Cytogenetic location: 2q31.2.
Variant type: single nucleotide variant.
Coding change: c.96697C>T on transcript NM_001267550.2 (MANE Select); coding-DNA position 96697, C replaced by T.
Protein change: p.Arg32233Ter; replaces arginine 32233 with a stop codon.
Molecular consequence: nonsense.
Genome position (GRCh38, 1-based): chr2:178,543,276, G>A on the plus strand (C>T on the coding strand, the complement: TTN is on the minus strand). VCF-style: chr2-178543276-G-A. GRCh37 (hg19) VCF-style: chr2-179408003-G-A.
Other names: p.R30592*:CGA>TGA; c.91774C>T, p.Arg30592Ter (NM_001256850.1); c.69502C>T, p.Arg23168Ter (NM_003319.4); c.88993C>T, p.Arg29665Ter (NM_133378.4); c.69877C>T, p.Arg23293Ter (NM_133432.3); c.70078C>T, p.Arg23360Ter (NM_133437.4); short protein forms R30592*, R32233*, R29665*, R23293*, R23360*, R23168*.
Identifiers: ClinVar variation 202528 (VCV000202528.19), dbSNP rs781171206, ClinGen allele CA309517.

ClinVar aggregate classification (germline): Likely pathogenic. Review status: criteria provided, multiple submitters, no conflicts (2 of 4 stars). 3 submissions from 3 submitters: Likely pathogenic (3). Last evaluated 2025-10-03.

Conditions:
Dilated cardiomyopathy 1G (CMD1G). Identifiers: Orphanet 154, MedGen C1858763, MONDO:0011400, OMIM 604145.
Autosomal recessive limb-girdle muscular dystrophy type 2J (LGMDR10). Also called: MUSCULAR DYSTROPHY, LIMB-GIRDLE, AUTOSOMAL RECESSIVE 10; Limb-girdle muscular dystrophy, type 2J. Identifiers: Orphanet 140922, MedGen C1837342, MONDO:0012127, OMIM 608807.
Cardiovascular phenotype. Identifiers: MedGen CN230736.

Allele frequency attached by ClinVar (database versions not stated): gnomAD exomes below 0.00001 and 0.00001; ExAC 0.00001.
gnomAD v4.1: 7 of 1,613,706 alleles (0.00043%); highest among the groups gnomAD compares: Non-Finnish European, 0.00059%; no homozygotes.

Submissions (3):

Labcorp Genetics (formerly Invitae), Labcorp
Classification: Likely pathogenic for Dilated cardiomyopathy 1G; Autosomal recessive limb-girdle muscular dystrophy type 2J. Last evaluated: 2025-10-03. Review status: criteria provided, single submitter. Criteria: Invitae Variant Classification Sherloc (09022015). Collection method: clinical testing. Allele origin: germline.
Comment: This sequence change creates a premature translational stop signal (p.Arg32233*) in the TTN gene. While this is not anticipated to result in nonsense mediated decay, it is expected to create a truncated TTN protein. This variant is present in population databases (rs781171206, gnomAD 0.0009%). This premature translational stop signal has been observed in individual(s) with autosomal recessive myopathy and/or hypertrophic cardiomyopathy (PMID: 31407473, 33673806). ClinVar contains an entry for this variant (Variation ID: 202528). This variant is located in the A band of TTN (PMID: 25589632). Truncating variants in this region are significantly overrepresented in patients affected with dilated cardiomyopathy (PMID: 25589632). Truncating variants in this region have also been reported in individuals affected with autosomal recessive centronuclear myopathy (PMID: 23975875). In summary, the currently available evidence indicates that the variant is pathogenic, but additional data are needed to prove that conclusively. Therefore, this variant has been classified as Likely Pathogenic.

GeneDx
Classification: Likely pathogenic. Last evaluated: 2024-07-03. Review status: criteria provided, single submitter. Criteria: GeneDx Variant Classification Process June 2021. Collection method: clinical testing. Allele origin: germline. Affected: yes.
Comment: Reported in a patient with lower limb myopathy who harbored another nonsense TTN variant in trans and in a patient with hypertrophic cardiomyopathy (HCM) in published literature (PMID: 31407473, 33673806); Not observed at significant frequency in large population cohorts (gnomAD); Located in the A-band region of TTN in which the majority of loss of function variants have been associated with autosomal dominant titinopathies (PMID: 22335739); Nonsense variant predicted to result in protein truncation or nonsense mediated decay in a gene for which loss of function is a known mechanism of disease; This variant is associated with the following publications: (PMID: 33673806, 35177841, 31407473, 22335739)

Ambry Genetics
Classification: Likely pathogenic for Cardiovascular phenotype. Last evaluated: 2024-06-25. Review status: criteria provided, single submitter. Criteria: Ambry Variant Classification Scheme 2023. Collection method: clinical testing. Allele origin: germline.
Comment: The p.R23168* variant (also known as c.69502C>T), located in coding exon 174 of the TTN gene, results from a C to T substitution at nucleotide position 69502. This changes the amino acid from an arginine to a stop codon within coding exon 174. This exon is located in the A-band region of the N2-B isoform of the titin protein and is constitutively expressed in TTN transcripts (percent spliced in or PSI 100%). This variant is considered to be rare based on population cohorts in the Genome Aggregation Database (gnomAD). This variant (also referred to as NM_001267550:c.96697C>T, p.R32233*) co-occurred in trans with a second truncating variant in TTN in an individual with skeletal myopathy, and was also detected in a hypertrophic cardiomyopathy genetic testing cohort (Krenn M et al. Eur J Neurol. 2020 01;27(1):51-61; Hathaway J et al. BMC Cardiovasc Disord. 2021 Mar;21(1):126). This alteration is expected to result in loss of function by premature protein truncation or nonsense-mediated mRNA decay. While truncating variants in TTN are present in 1-3% of the general population, truncating variants in the A-band are the most common cause of dilated cardiomyopathy (DCM) (Herman DS et al. N. Engl. J. Med., 2012 Feb;366:619-28; Roberts AM et al. Sci Transl Med, 2015 Jan;7:270ra6). TTN truncating variants encoded in constitutive exons (PSI >90%) have been found to be significantly associated with DCM regardless of their position in titin (Schafer S et al. Nat. Genet., 2017 01;49:46-53). As such, this alteration is classified as likely pathogenic.

Literature cited by the submitters: PubMed 31407473 (cited by Labcorp Genetics (formerly Invitae), Labcorp and Ambry Genetics); PubMed 33673806 (cited by Labcorp Genetics (formerly Invitae), Labcorp and Ambry Genetics); PubMed 25589632 (cited by Labcorp Genetics (formerly Invitae), Labcorp); PubMed 23975875 (cited by Labcorp Genetics (formerly Invitae), Labcorp).